The following is an entry in ClinVar:

ClinVar aggregate classification (germline): Benign. Review status: criteria provided, multiple submitters, no conflicts (2 of 4 stars). 4 submissions from 4 submitters: Benign (4). Last evaluated 2026-01-27.

Allele frequency attached by ClinVar (database versions not stated): gnomAD exomes 0.00293 and 0.00768; ExAC 0.00944; gnomAD 0.03155 and 0.03397; ESP Exome Variant Server 0.03159; TOPMed 0.03585; 1000 Genomes Project 0.03674; 1000 Genomes Project 30x 0.03935.
gnomAD v4.1: 9,246 of 1,612,974 alleles (0.57%); highest among the groups gnomAD compares: African/African-American, 11%; 446 homozygotes.

Submissions (4):

Labcorp Genetics (formerly Invitae), Labcorp
Classification: Benign. Last evaluated: 2026-01-27. Review status: criteria provided, single submitter. Criteria: Invitae Variant Classification Sherloc (09022015). Collection method: clinical testing. Allele origin: germline.

Mayo Clinic Laboratories, Mayo Clinic
Classification: Benign. Last evaluated: 2022-01-30. Review status: criteria provided, single submitter. Criteria: ACMG Guidelines, 2015. Collection method: clinical testing. Allele origin: germline. Observed: 4 variant alleles.

GeneDx
Classification: Benign. Last evaluated: 2017-12-18. Review status: criteria provided, single submitter. Criteria: GeneDx Variant Classification (06012015). Collection method: clinical testing. Allele origin: germline. Affected: yes.
Comment: This variant is considered likely benign or benign based on one or more of the following criteria: it is a conservative change, it occurs at a poorly conserved position in the protein, it is predicted to be benign by multiple in silico algorithms, and/or has population frequency not consistent with disease.

Breakthrough Genomics
Classification: Benign. Review status: criteria provided, single submitter. Criteria: ACMG Guidelines, 2015. Collection method: not provided. Allele origin: germline. Inheritance: Autosomal dominant inheritance. Affected: yes.

NM_004839.4(HOMER2):c.623G>A (p.Arg208His)

Gene: HOMER2 (homer scaffold protein 2; minus strand). Cytogenetic location: 15q25.2.
Variant type: single nucleotide variant.
Coding change: c.623G>A on transcript NM_004839.4 (MANE Select); coding-DNA position 623, G replaced by A.
Protein change: p.Arg208His; replaces arginine 208 with histidine.
Molecular consequence: missense variant.
Genome position (GRCh38, 1-based): chr15:82,854,672, C>T on the plus strand (G>A on the coding strand, the complement: HOMER2 is on the minus strand). VCF-style: chr15-82854672-C-T. GRCh37 (hg19) VCF-style: chr15-83523424-C-T.
Other names: p.Arg208His; c.656G>A, p.Arg219His (NM_199330.3); short protein forms R219H, R208H.
Identifiers: ClinVar variation 508698 (VCV000508698.14), dbSNP rs7175005, ClinGen allele CA7702077.